The following is an entry in ClinVar:

ClinVar aggregate classification (germline): Uncertain significance (1 of 4 stars; one submission).

Conditions:
Pitt-Hopkins-like syndrome 2 (PTHSL2). Identifiers: Orphanet 221150, Orphanet 600663, MedGen C3280479, MONDO:0013690, OMIM 614325.

Allele frequency attached by ClinVar (database versions not stated): gnomAD exomes below 0.00001.
gnomAD v4.1: 2 of 1,613,324 alleles (0.00012%); highest among the groups gnomAD compares: Non-Finnish European, 0.00017%; no homozygotes.

Submission:

Labcorp Genetics (formerly Invitae), Labcorp
Classification: Uncertain significance for Pitt-Hopkins-like syndrome 2. Last evaluated: 2025-02-10. Review status: criteria provided, single submitter. Criteria: Invitae Variant Classification Sherloc (09022015). Collection method: clinical testing. Allele origin: germline.
Comment: This sequence change replaces glycine, which is neutral and non-polar, with arginine, which is basic and polar, at codon 1195 of the NRXN1 protein (p.Gly1195Arg). This variant is not present in population databases (gnomAD no frequency). This variant has not been reported in the literature in individuals affected with NRXN1-related conditions. ClinVar contains an entry for this variant (Variation ID: 1045542). Invitae Evidence Modeling of protein sequence and biophysical properties (such as structural, functional, and spatial information, amino acid conservation, physicochemical variation, residue mobility, and thermodynamic stability) indicates that this missense variant is not expected to disrupt NRXN1 protein function with a negative predictive value of 80%. In summary, the available evidence is currently insufficient to determine the role of this variant in disease. Therefore, it has been classified as a Variant of Uncertain Significance.

NM_001330078.2(NRXN1):c.3463G>C (p.Gly1155Arg)

Gene: NRXN1 (neurexin 1; minus strand). Cytogenetic location: 2p16.3.
Variant type: single nucleotide variant.
Coding change: c.3463G>C on transcript NM_001330078.2 (MANE Select); coding-DNA position 3463, G replaced by C.
Protein change: p.Gly1155Arg; replaces glycine 1155 with arginine.
Molecular consequence: missense variant.
Genome position (GRCh38, 1-based): chr2:50,236,872, C>G on the plus strand (G>C on the coding strand, the complement: NRXN1 is on the minus strand). VCF-style: chr2-50236872-C-G. GRCh37 (hg19) VCF-style: chr2-50464010-C-G.
Other names: c.3583G>C, p.Gly1195Arg (NM_001135659.3); c.3439G>C, p.Gly1147Arg (NM_001330077.2, NM_001330082.2); c.3397G>C, p.Gly1133Arg (NM_001330084.2, NM_001330083.2); c.3436G>C, p.Gly1146Arg (NM_001330085.2); c.3463G>C, p.Gly1155Arg (NM_001330086.2, NM_004801.6); c.3352G>C, p.Gly1118Arg (NM_001330087.2, NM_001330096.2); c.3382G>C, p.Gly1128Arg (NM_001330088.2); c.358G>C, p.Gly120Arg (NM_001330091.2, NM_001330092.2, NM_001330097.2 and 1 more transcripts); and 3 more; short protein forms G1118R, G1133R, G1146R, G1154R, G1147R, G120R, G1138R, G1128R.
Identifiers: ClinVar variation 1045542 (VCV001045542.8), dbSNP rs2065486237, ClinGen allele CA346820946.